The following is an entry in ClinVar:

NM_000214.3(JAG1):c.149A>C (p.Gln50Pro)

Gene: JAG1 (jagged canonical Notch ligand 1; minus strand). Cytogenetic location: 20p12.2.
Variant type: single nucleotide variant.
Coding change: c.149A>C on transcript NM_000214.3 (MANE Select); coding-DNA position 149, A replaced by C.
Protein change: p.Gln50Pro; replaces glutamine 50 with proline.
Molecular consequence: missense variant.
Genome position (GRCh38, 1-based): chr20:10,672,939, T>G on the plus strand (A>C on the coding strand, the complement: JAG1 is on the minus strand). VCF-style: chr20-10672939-T-G. GRCh37 (hg19) VCF-style: chr20-10653587-T-G.
Other names: short protein forms Q50P.
Identifiers: ClinVar variation 3573250 (VCV003573250.2).

Conditions:
Arteriohepatic dysplasia. Also called: Alagille Syndrome. Identifiers: Orphanet 52, MedGen C0085280, MeSH D016738, MONDO:0007318.

Submission:

Gilbert/Spinner Lab, Children's Hospital of Philadelphia
No classification provided (evidence only). Condition: Alagille syndrome. Review status: no classification provided. Collection method: research. Allele origin: not applicable. Functional consequence: functionally_abnormal.
ClinVar note: "not provided" was previously submitted as the classification for the variant. However, the classification appeared to be based only on an observation of functional data so it was converted to no classification on 2025-07-30.